The following is an entry in ClinVar:

NM_000257.4(MYH7):c.1325G>A (p.Arg442His)

Gene: MYH7 (myosin heavy chain 7; minus strand). Cytogenetic location: 14q11.2.
Variant type: single nucleotide variant.
Coding change: c.1325G>A on transcript NM_000257.4 (MANE Select); coding-DNA position 1325, G replaced by A.
Protein change: p.Arg442His; replaces arginine 442 with histidine.
Molecular consequence: missense variant.
Genome position (GRCh38, 1-based): chr14:23,429,037, C>T on the plus strand (G>A on the coding strand, the complement: MYH7 is on the minus strand). VCF-style: chr14-23429037-C-T. GRCh37 (hg19) VCF-style: chr14-23898246-C-T.
Other names: p.R442H:CGC>CAC; c.1325G>A (LRG_384t1); short protein forms R442H.
Identifiers: ClinVar variation 181342 (VCV000181342.33), dbSNP rs730880870, ClinGen allele CA010569.
Genomic context (GRCh38, chr14:23,429,037, plus strand): 5'-ATGTCCAGGACTCCTATGAAGTACTGGCGTGGCTGCTTGGTCTCCAGGGTGGCATTGATG[C>T]GCGTCACCATCCAGTTGAACATCCTCTCATACACTGCCTTGGCCAGTGCCCCAGTGGCAT-3'
Protein context (NP_000248.2, residues 432-452): YERMFNWMVT[Arg442His]INATLETKQP

ClinVar aggregate classification (germline): Conflicting classifications of pathogenicity. Review status: criteria provided, conflicting classifications (1 of 4 stars). 12 submissions from 12 submitters: Pathogenic (2); Likely pathogenic (4); Uncertain significance (3). 3 of the submissions do not count toward it. Last evaluated 2026-08-11.

Conditions:
MYH7-related disorder. Also called: MYH7-related condition; MYH7-related disease; MYH7-related disorders.
Cardiovascular phenotype. Identifiers: MedGen CN230736.
Cardiomyopathy (CMYO). Also called: Cardiomyopathies. Identifiers: Orphanet 167848, MedGen C0878544, MONDO:0004994, HP:0001638. Inheritance: Various modes of inheritance.
Dilated cardiomyopathy 1S (CMD1S). Identifiers: Orphanet 154, Orphanet 54260, MedGen C1834481, MONDO:0013262, OMIM 613426.
Primary dilated cardiomyopathy (DCM). Also called: Dilated Cardiomyopathy. Identifiers: Orphanet 217604, MedGen C0007193, MeSH D002311, MONDO:0005021, HP:0001644. Inheritance: Various modes of inheritance.
Hypertrophic cardiomyopathy. Also called: HYPERTROPHIC MYOCARDIOPATHY. Identifiers: Orphanet 217569, MedGen C0007194, MeSH D002312, MONDO:0005045, HP:0001639.

Allele frequency attached by ClinVar (database versions not stated): gnomAD exomes 0.00001; TOPMed 0.00001; ExAC 0.00002; gnomAD 0.00003.
gnomAD v4.1: 23 of 1,614,040 alleles (0.0014%); highest among the groups gnomAD compares: South Asian, 0.0022%; no homozygotes.

Submissions 1 to 6 of 12:

PreventionGenetics, part of Exact Sciences
Classification: Likely pathogenic for MYH7-related condition. Last evaluated: 2026-08-11. Review status: criteria provided, single submitter. Criteria: ACMG Guidelines, 2015. Collection method: clinical testing. Allele origin: germline.
Comment: The MYH7 c.1325G>A variant is predicted to result in the amino acid substitution p.Arg442His. This variant has been reported in the heterozygous state and shown to co-segregate with incomplete penetrance in multiple individuals and families with dilated cardiomyopathy (DCM; Kamisago et al. 2006. PubMed ID: 17019812; Monda et al. 2023. PubMed ID: 37240454; Table S3, Stroeks et al. 2024. PubMed ID: 39425739). This variant has also been reported in the heterozygous state in an individual with noncompaction cardiomyopathy (NCCM; Online Table 2a, van Waning et al. 2018. PubMed ID: 29447731), Brugada syndrome (Di Resta et al. 2015. PubMed ID: 26220970), and myocardial fibrosis (Shabani et al. 2022. PubMed ID: 35265679). This variant has also been reported in the compound heterozygous state with a second MYH7 variant of uncertain significance (p.Arg1289Gln) in an individual with DCM, waddling gait, deltoid hypertrophy, ptosis, and myopathic features on muscle biopsy (Monda et al. 2023. PubMed ID: 37240454). This variant is reported in 0.0031% of alleles in individuals of European (Non-Finnish) descent in gnomAD. Alternate missense variants at the same amino acid position (p.Arg442Cys, p.Arg442Leu) have been reported in individuals with MYH7-related cardiomyopathy (Laredo et al. 2006. PubMed ID: 17125710; Table S1B, Walsh et al. 2017. PubMed ID: 27532257; Robyns et al. 2020. PubMed ID: 31513939; Phan et al. 2024. PubMed ID: 38186735). Taken together, the p.Arg442His variant is interpreted as likely pathogenic.

Victorian Clinical Genetics Services, Murdoch Childrens Research Institute
Classification: Likely pathogenic for Dilated cardiomyopathy 1S. Last evaluated: 2026-04-01. Review status: criteria provided, single submitter. Criteria: ACMG Guidelines, 2015. Collection method: clinical testing. Allele origin: germline. Affected: yes.
Comment: This variant is classified as Likely pathogenic. Evidence in support of pathogenic classification: Variant is present in gnomAD <0.01 (v4: 23 heterozygote(s), 0 homozygote(s)); This variant has strong previous evidence of pathogenicity in unrelated individuals. This variant has been classified as a VUS, and more commonly as pathogenic/likely pathogenic by multiple clinical laboratories in ClinVar with DCM or HCM phenotypes listed. This variant has been reported in the literature in a family with multiple individuals affected with DCM (PMID: 37240454). This variant has also been observed in a DCM cohort study and in an individual who suffered a sudden death (PMIDs: 3974020, 31729605); Variant is located in a hotspot region or cluster of pathogenic variants. This variant is found within the head region, which is enriched with pathogenic missense variants (PMID: 29300372). Additional information: Variant is predicted to result in a missense amino acid change from Arg to His; This variant is heterozygous; This gene is associated with both recessive and dominant disease. Disease associated with this gene usually has autosomal dominant inheritance; however, a recessive inheritance pattern has been observed in severe cases (OMIM); Segregation evidence for this variant is inconclusive. This variant has been observed in a family in two affected individuals and two younger family members that were asymptomatic. (PMID: 37240454); No comparable missense variants have previous evidence for pathogenicity. - Missense variant predicted to be damaging by in silico tool(s) and same amino acid change has been observed in placental mammals; The mechanism of disease for this gene is not clearly established; however, missense variants have been proposed to act in a dominant negative manner (PMID: 24714796); The condition associated with this gene has incomplete penetrance (PMID: 29300372); Inheritance information for this variant is not currently available in this individual.

Color Diagnostics, LLC DBA Color Health
Classification: Likely pathogenic for Cardiomyopathy. Last evaluated: 2025-09-08. Review status: criteria provided, single submitter. Criteria: ACMG Guidelines, 2015. Collection method: clinical testing. Allele origin: germline.
Comment: This missense variant replaces arginine with histidine at codon 442 of the MYH7 protein. Computational prediction tools indicate that this variant has a deleterious impact on protein structure and function. To our knowledge, functional studies have not been reported for this variant. This variant has been reported in six individuals affected with dilated cardiomyoathy (PMID: 17019812, 37240454ClinVar SCV000927513.1DOI:10.1016/S0735-1097(23)03663-X). It has been shown that this variant segregates with disease in four affected individuals in a family (PMID: 37240454). This variant has also been reported in individuals affected with noncompaction cardiomyopathy (PMID: 31771441), myocardial fibrosis (PMID: 35265679), sudden cardiac death (PMID: 22177269), sudden unexplained death (PMID: 31729605), and Brugada syndrome (PMID: 26220970). This variant has been identified in 4/282880 chromosomes in the general population by the Genome Aggregation Database (gnomAD). A different missense variant occurring at the same codon, p.Arg442Cys, is known to be pathogenic (Clinvar Variation ID: 85091), indicating that functional and clinical importance of this codon position. Based on the available evidence, this variant is classified as Likely Pathogenic.

Labcorp Genetics (formerly Invitae), Labcorp
Classification: Pathogenic for Hypertrophic cardiomyopathy. Last evaluated: 2025-05-26. Review status: criteria provided, single submitter. Criteria: Invitae Variant Classification Sherloc (09022015). Collection method: clinical testing. Allele origin: germline.
Comment: This sequence change replaces arginine, which is basic and polar, with histidine, which is basic and polar, at codon 442 of the MYH7 protein (p.Arg442His). This variant is present in population databases (rs730880870, gnomAD 0.002%). This missense change has been observed in individuals with autosomal dominant MYH7-related conditions (PMID: 17019812, 22177269; internal data). ClinVar contains an entry for this variant (Variation ID: 181342). Invitae Evidence Modeling of protein sequence and biophysical properties (such as structural, functional, and spatial information, amino acid conservation, physicochemical variation, residue mobility, and thermodynamic stability) indicates that this missense variant is expected to disrupt MYH7 protein function with a positive predictive value of 95%. This variant disrupts the p.Arg442 amino acid residue in MYH7. Other variant(s) that disrupt this residue have been determined to be pathogenic (PMID: 17125710, 18533079, 23674513, 27247418, 27532257, 28615295). This suggests that this residue is clinically significant, and that variants that disrupt this residue are likely to be disease-causing. For these reasons, this variant has been classified as Pathogenic.

Ambry Genetics
Classification: Uncertain significance for Cardiovascular phenotype. Last evaluated: 2024-08-16. Review status: criteria provided, single submitter. Criteria: Ambry Variant Classification Scheme 2023. Collection method: clinical testing. Allele origin: germline.
Comment: The p.R442H variant (also known as c.1325G>A), located in coding exon 12 of the MYH7 gene, results from a G to A substitution at nucleotide position 1325. The arginine at codon 442 is replaced by histidine, an amino acid with highly similar properties. This variant has been identified in individuals with suspected hypertrophic/dilated cardiomyopathy, Brugada syndrome, noncompaction cardiomyopathy, and myocardial fibrosis (Larsen MK et al. Forensic Sci. Int., 2012 Jun;219:33-8; Di Resta C et al. Hum. Mol. Genet., 2015 Oct;24:5828-35; van Waning JI et al. J. Am. Coll. Cardiol., 2018 Feb;71:711-722; Shabani M et al. Front Cardiovasc Med. 2022 Feb;9:804788). This amino acid position is highly conserved in available vertebrate species. In addition, this alteration is predicted to be deleterious by in silico analysis. Based on available evidence to date, the clinical significance of this alteration remains unclear.

GeneDx
Classification: Uncertain significance. Last evaluated: 2024-08-06. Review status: criteria provided, single submitter. Criteria: GeneDx Variant Classification Process June 2021. Collection method: clinical testing. Allele origin: germline. Affected: yes.
Comment: Identified in several individuals with DCM, sudden cardiac death with suspected DCM on autopsy, and non-compaction cardiomyopathy in the published literature (PMID: 22177269, 17019812, 29447731); Not observed at significant frequency in large population cohorts (gnomAD); In silico analysis supports that this missense variant has a deleterious effect on protein structure/function; This variant is associated with the following publications: (PMID: 17019812, 26220970, 24193343, 29447731, 34426522, 37937776, 31729605, 34542152, 36264615, 35265679, 37240454, 22177269, 27532257, 29300372)